The following is an entry in ClinVar:

NM_000297.4(PKD2):c.1899-4A>C

Gene: PKD2 (polycystin 2, transient receptor potential cation channel; plus strand). Cytogenetic location: 4q22.1.
Variant type: single nucleotide variant.
Coding change: c.1899-4A>C on transcript NM_000297.4 (MANE Select); 4 bases into the intron before coding-DNA position 1899, A replaced by C.
Molecular consequence: intron variant.
Genome position (GRCh38, 1-based): chr4:88,057,979, A>C. VCF-style: chr4-88057979-A-C. GRCh37 (hg19) VCF-style: chr4-88979131-A-C.
Identifiers: ClinVar variation 3029449 (VCV003029449.3), dbSNP rs2475959153, ClinGen allele CA2740091310.

ClinVar aggregate classification (germline): Likely benign. Review status: criteria provided, single submitter (1 of 4 stars). 2 submissions from 2 submitters: Likely benign (1). 1 of the submissions does not count toward it. Last evaluated 2026-01-15.

Conditions:
Autosomal dominant polycystic kidney disease. Identifiers: Orphanet 730, MedGen C0085413, MONDO:0004691.
PKD2-related disorder. Also called: PKD2-related condition.

Submissions (2):

Labcorp Genetics (formerly Invitae), Labcorp
Classification: Likely benign for Autosomal dominant polycystic kidney disease. Last evaluated: 2026-01-15. Review status: criteria provided, single submitter. Criteria: Invitae Variant Classification Sherloc (09022015). Collection method: clinical testing. Allele origin: germline.

PreventionGenetics, part of Exact Sciences
Classification: Likely benign for PKD2-related condition. Last evaluated: 2024-01-02. Review status: no assertion criteria provided. Collection method: clinical testing. Allele origin: germline. Not counted in ClinVar's aggregate classification.
Comment: This variant is classified as likely benign based on ACMG/AMP sequence variant interpretation guidelines (Richards et al. 2015 PMID: 25741868, with internal and published modifications).